The following is an entry in ClinVar:

NM_000218.3(KCNQ1):c.692G>T (p.Arg231Leu)

Gene: KCNQ1 (potassium voltage-gated channel subfamily Q member 1; plus strand). Cytogenetic location: 11p15.5.
Variant type: single nucleotide variant.
Coding change: c.692G>T on transcript NM_000218.3 (MANE Select); coding-DNA position 692, G replaced by T.
Protein change: p.Arg231Leu; replaces arginine 231 with leucine.
Molecular consequence: missense variant.
Genome position (GRCh38, 1-based): chr11:2,572,021, G>T. VCF-style: chr11-2572021-G-T. GRCh37 (hg19) VCF-style: chr11-2593251-G-T.
Other names: c.692G>T, p.Arg231Leu (NM_001406836.1); c.422G>T, p.Arg141Leu (NM_001406837.1); c.311G>T, p.Arg104Leu (NM_181798.2); short protein forms R104L, R231L, R141L.
Identifiers: ClinVar variation 519257 (VCV000519257.7), dbSNP rs199472709, ClinGen allele CA379130913.

ClinVar aggregate classification (germline): Likely pathogenic (1 of 4 stars; one submission).

Conditions:
Cardiovascular phenotype. Identifiers: MedGen CN230736.

gnomAD v4.1: 1 of 1,612,354 alleles (0.000062%); highest among the groups gnomAD compares: Non-Finnish European, 0.000085%; no homozygotes.

Submission:

Ambry Genetics
Classification: Likely pathogenic for Cardiovascular phenotype. Last evaluated: 2016-06-15. Review status: criteria provided, single submitter. Criteria: Ambry Variant Classification Scheme 2023. Collection method: clinical testing. Allele origin: germline.
Comment: The p.R231L variant (also known as c.692G>T), located in coding exon 5 of the KCNQ1 gene, results from a G to T substitution at nucleotide position 692. The arginine at codon 231 is replaced by leucine, an amino acid with dissimilar properties. Although the p.R231L variant has not been reported previously, alterations affecting the same amino acid (p.R231H and p.R231C) have been identified in multiple individuals with long QT syndrome (LQTS), atrial fibrillation (AF), and/or bradycardia (Lupoglazoff JM et al. J. Am. Coll. Cardiol. 2004 Mar; 43(5):826-30; Napolitano C et al. JAMA 2005 Dec; 294(23):2975-80; Bartos DC et al. Heart Rhythm 2011 Jan; 8(1):48-55; Henrion U et al. Cell. Physiol. Biochem. 2012 May; 29(5-6):809-18; Bartos DC et al. J. Cardiovasc. Electrophysiol. 2013 May; 24(5):562-9; Guerrier K et al. Heart Rhythm 2013 Sep; 10(9):1351-3). The p.R231L variant was not reported in population based cohorts in the following databases: Database of Single Nucleotide Polymorphisms (dbSNP), Exome Aggregation Consortium (ExAC), NHLBI Exome Sequencing Project (ESP), and 1000 Genomes Project. In the ESP, this variant was not observed in 6498 samples (12996 alleles) with coverage at this position. This amino acid position is highly conserved in available vertebrate species. In addition, this alteration is predicted to be deleterious by in silico analysis. Based on the majority of available evidence, this variant is likely to be pathogenic.

Literature cited by the submitters: PubMed 14998624; PubMed 16414944; PubMed 18452873; PubMed 20850564; PubMed 22613981; PubMed 23350853; PubMed 23851063.